The following is an entry in ClinVar:

ClinVar aggregate classification (germline): Uncertain significance (1 of 4 stars; one submission).

Conditions:
Hereditary cancer-predisposing syndrome. Also called: Neoplastic Syndromes, Hereditary; Tumor predisposition; Hereditary neoplastic syndrome; Hereditary Cancer Syndrome. Identifiers: Orphanet 140162, MedGen C0027672, MeSH D009386, MONDO:0015356.

Submission:

Ambry Genetics
Classification: Uncertain significance for Hereditary cancer-predisposing syndrome. Last evaluated: 2026-07-06. Review status: criteria provided, single submitter. Criteria: Ambry Variant Classification Scheme 2023. Collection method: clinical testing. Allele origin: germline.
Comment: The p.S1606Y variant (also known as c.4817C>A), located in coding exon 10 of the BRCA2 gene, results from a C to A substitution at nucleotide position 4817. The serine at codon 1606 is replaced by tyrosine, an amino acid with dissimilar properties. This amino acid position is conserved. In addition, this alteration is predicted to be tolerated by in silico analysis. Based on the available evidence, the clinical significance of this variant remains unclear.

NM_000059.4(BRCA2):c.4817C>A (p.Ser1606Tyr)

Gene: BRCA2 (BRCA2 DNA repair associated; plus strand). Cytogenetic location: 13q13.1.
Variant type: single nucleotide variant.
Coding change: c.4817C>A on transcript NM_000059.4 (MANE Select); coding-DNA position 4817, C replaced by A.
Protein change: p.Ser1606Tyr; replaces serine 1606 with tyrosine.
Molecular consequence: missense variant. On other transcripts: non-coding transcript variant (1), intron variant (2).
Genome position (GRCh38, 1-based): chr13:32,339,172, C>A. VCF-style: chr13-32339172-C-A. GRCh37 (hg19) VCF-style: chr13-32913309-C-A.
Other names: c.4817C>A, p.Ser1606Tyr (NM_001406719.1, NM_001406720.1, NM_001432077.1); c.1910-5386C>A (NM_001406721.1); c.425-5386C>A (NM_001406722.1); short protein forms S1606Y.
Identifiers: ClinVar variation 5033285 (VCV005033285.1).